The following is an entry in ClinVar:

ClinVar aggregate classification (germline): Uncertain significance (1 of 4 stars; one submission).

Conditions:
Early-infantile DEE. Also called: Ohtahara syndrome; Early infantile epileptic encephalopathy with suppression bursts; Early infantile epileptic encephalopathy. Identifiers: Orphanet 1934, MedGen C0393706, MONDO:0800491.

Allele frequency attached by ClinVar (database versions not stated): ExAC 0.00001; gnomAD 0.00001 and 0.00003; gnomAD exomes 0.00001; TOPMed 0.00004; ESP Exome Variant Server 0.00008.

Submission:

Labcorp Genetics (formerly Invitae), Labcorp
Classification: Uncertain significance for Early-infantile DEE. Last evaluated: 2022-11-29. Review status: criteria provided, single submitter. Criteria: Invitae Variant Classification Sherloc (09022015). Collection method: clinical testing. Allele origin: germline.
Comment: This variant has not been reported in the literature in individuals affected with ARHGEF15-related conditions. This sequence change replaces cysteine, which is neutral and slightly polar, with tyrosine, which is neutral and polar, at codon 763 of the ARHGEF15 protein (p.Cys763Tyr). This variant is present in population databases (rs149290543, gnomAD 0.002%). ClinVar contains an entry for this variant (Variation ID: 970798). Algorithms developed to predict the effect of missense changes on protein structure and function output the following: SIFT: "Deleterious"; PolyPhen-2: "Benign"; Align-GVGD: "Class C0". The tyrosine amino acid residue is found in multiple mammalian species, which suggests that this missense change does not adversely affect protein function. In summary, the available evidence is currently insufficient to determine the role of this variant in disease. Therefore, it has been classified as a Variant of Uncertain Significance.

NM_173728.4(ARHGEF15):c.2288G>A (p.Cys763Tyr)

Gene: ARHGEF15 (Rho guanine nucleotide exchange factor 15; plus strand). Cytogenetic location: 17p13.1.
Variant type: single nucleotide variant.
Coding change: c.2288G>A on transcript NM_173728.4 (MANE Select); coding-DNA position 2288, G replaced by A.
Protein change: p.Cys763Tyr; replaces cysteine 763 with tyrosine.
Molecular consequence: missense variant.
Genome position (GRCh38, 1-based): chr17:8,319,517, G>A. VCF-style: chr17-8319517-G-A. GRCh37 (hg19) VCF-style: chr17-8222835-G-A.
Other names: c.2288G>A, p.Cys763Tyr (NM_025014.2); short protein forms C763Y.
Identifiers: ClinVar variation 970798 (VCV000970798.10), dbSNP rs149290543, ClinGen allele CA8375489.